The following is an entry in ClinVar:

ClinVar aggregate classification (germline): Conflicting classifications of pathogenicity. Review status: criteria provided, conflicting classifications (1 of 4 stars). 4 submissions from 4 submitters: Uncertain significance (3); Likely benign (1). Last evaluated 2025-05-14.

Conditions:
Cardiovascular phenotype. Identifiers: MedGen CN230736.
Brugada syndrome 4 (BRGDA4). Identifiers: Orphanet 130, MedGen C2678477, MONDO:0012743, OMIM 611876.
CACNB2-related disorder. Also called: CACNB2-related condition.

Allele frequency attached by ClinVar (database versions not stated): TOPMed 0.00003; 1000 Genomes Project 30x 0.00016; gnomAD 0.00001 and 0.00002; gnomAD exomes 0.00001 and 0.00003; ExAC 0.00003; 1000 Genomes Project 0.00020.
gnomAD v4.1: 25 of 1,614,088 alleles (0.0015%); highest among the groups gnomAD compares: South Asian, 0.0044%; no homozygotes.

Submissions (4):

PreventionGenetics, part of Exact Sciences
Classification: Uncertain significance for CACNB2-related condition. Last evaluated: 2025-05-14. Review status: criteria provided, single submitter. Criteria: ACMG Guidelines, 2015. Collection method: clinical testing. Allele origin: germline.
Comment: The CACNB2 c.196C>T variant is predicted to result in the amino acid substitution p.Arg66Trp. To our knowledge, this variant has not been reported in the literature. This variant is reported in 0.025% of alleles in individuals of African descent in gnomAD. At this time, the clinical significance of this variant is uncertain due to the absence of conclusive functional and genetic evidence.

Ambry Genetics
Classification: Likely benign for Cardiovascular phenotype. Last evaluated: 2025-04-08. Review status: criteria provided, single submitter. Criteria: Ambry Variant Classification Scheme 2023. Collection method: clinical testing. Allele origin: germline.

Labcorp Genetics (formerly Invitae), Labcorp
Classification: Uncertain significance for Brugada syndrome 4. Last evaluated: 2025-02-18. Review status: criteria provided, single submitter. Criteria: Invitae Variant Classification Sherloc (09022015). Collection method: clinical testing. Allele origin: germline.
Comment: This sequence change replaces arginine, which is basic and polar, with tryptophan, which is neutral and slightly polar, at codon 66 of the CACNB2 protein (p.Arg66Trp). This variant is present in population databases (rs541253552, gnomAD 0.03%). This variant has not been reported in the literature in individuals affected with CACNB2-related conditions. ClinVar contains an entry for this variant (Variation ID: 1398592). Invitae Evidence Modeling of protein sequence and biophysical properties (such as structural, functional, and spatial information, amino acid conservation, physicochemical variation, residue mobility, and thermodynamic stability) indicates that this missense variant is expected to disrupt CACNB2 protein function with a positive predictive value of 80%. In summary, the available evidence is currently insufficient to determine the role of this variant in disease. Therefore, it has been classified as a Variant of Uncertain Significance.

Dasa
Classification: Uncertain significance. Last evaluated: 2025-01-07. Review status: criteria provided, single submitter. Criteria: DASA Assertion Criteria. Collection method: clinical testing. Allele origin: germline.
Comment: NM_201596.3(CACNB2):c.358C>T (p.Arg120Trp) is a missense variant that results in the substitution of arginine with tryptophan. This variant is rare in population databases. Computational prediction algorithms are consistent with a deleterious effect. The currently available literature and clinical evidence are not sufficient to establish a definitive association between this variant and the reported condition. Therefore, this variant is classified as a variant of uncertain significance.

NM_201596.3(CACNB2):c.358C>T (p.Arg120Trp)

Gene: CACNB2 (calcium voltage-gated channel auxiliary subunit beta 2; plus strand). Cytogenetic location: 10p12.31.
Variant type: single nucleotide variant.
Coding change: c.358C>T on transcript NM_201596.3 (MANE Select); coding-DNA position 358, C replaced by T.
Protein change: p.Arg120Trp; replaces arginine 120 with tryptophan.
Molecular consequence: missense variant.
Genome position (GRCh38, 1-based): chr10:18,498,379, C>T. VCF-style: chr10-18498379-C-T. GRCh37 (hg19) VCF-style: chr10-18787308-C-T.
Other names: c.193C>T, p.Arg65Trp (NM_000724.4, NM_001330060.2); c.274C>T, p.Arg92Trp (NM_001167945.2, NM_201571.4, NM_201572.4); c.214C>T, p.Arg72Trp (NM_201570.3); c.196C>T, p.Arg66Trp (NM_201590.3); c.358C>T, p.Arg120Trp (NM_201593.3, NM_201597.3); short protein forms R65W, R120W, R66W, R92W, R72W.
Identifiers: ClinVar variation 1398592 (VCV001398592.13), dbSNP rs541253552, ClinGen allele CA5429600.